The following is an entry in ClinVar:

NM_005477.3(HCN4):c.1402G>T (p.Ala468Ser)

Gene: HCN4 (hyperpolarization activated cyclic nucleotide gated potassium channel 4; minus strand). Cytogenetic location: 15q24.1.
Variant type: single nucleotide variant.
Coding change: c.1402G>T on transcript NM_005477.3 (MANE Select); coding-DNA position 1402, G replaced by T.
Protein change: p.Ala468Ser; replaces alanine 468 with serine.
Molecular consequence: missense variant.
Genome position (GRCh38, 1-based): chr15:73,329,761, C>A on the plus strand (G>T on the coding strand, the complement: HCN4 is on the minus strand). VCF-style: chr15-73329761-C-A. GRCh37 (hg19) VCF-style: chr15-73622102-C-A.
Other names: short protein forms A468S.
Identifiers: ClinVar variation 4796965 (VCV004796965.1).

ClinVar aggregate classification (germline): Uncertain significance (1 of 4 stars; one submission).

Conditions:
Brugada syndrome 8 (BRGDA8). Identifiers: Orphanet 130, MedGen C2751083, MONDO:0013148, OMIM 613123.

gnomAD v4.1: 2 of 1,614,014 alleles (0.00012%); highest among the groups gnomAD compares: South Asian, 0.0011%; no homozygotes.

Submission:

Labcorp Genetics (formerly Invitae), Labcorp
Classification: Uncertain significance for Brugada syndrome 8. Last evaluated: 2025-07-03. Review status: criteria provided, single submitter. Criteria: Invitae Variant Classification Sherloc (09022015). Collection method: clinical testing. Allele origin: germline.
Comment: This sequence change replaces alanine, which is neutral and non-polar, with serine, which is neutral and polar, at codon 468 of the HCN4 protein (p.Ala468Ser). This variant is not present in population databases (gnomAD no frequency). This variant has not been reported in the literature in individuals affected with HCN4-related conditions. Invitae Evidence Modeling of protein sequence and biophysical properties (such as structural, functional, and spatial information, amino acid conservation, physicochemical variation, residue mobility, and thermodynamic stability) has been performed for this missense variant. However, the output from this modeling did not meet the statistical confidence thresholds required to predict the impact of this variant on HCN4 protein function. In summary, the available evidence is currently insufficient to determine the role of this variant in disease. Therefore, it has been classified as a Variant of Uncertain Significance.